The following is an entry in ClinVar:

NM_000083.3(CLCN1):c.299A>G (p.Gln100Arg)

Gene: CLCN1 (chloride voltage-gated channel 1; plus strand). Cytogenetic location: 7q34.
Variant type: single nucleotide variant.
Coding change: c.299A>G on transcript NM_000083.3 (MANE Select); coding-DNA position 299, A replaced by G.
Protein change: p.Gln100Arg; replaces glutamine 100 with arginine.
Molecular consequence: missense variant. On other transcripts: non-coding transcript variant (1).
Genome position (GRCh38, 1-based): chr7:143,319,873, A>G. VCF-style: chr7-143319873-A-G. GRCh37 (hg19) VCF-style: chr7-143016966-A-G.
Other names: short protein forms Q100R.
Identifiers: ClinVar variation 659934 (VCV000659934.10), dbSNP rs1586483209, ClinGen allele CA369681224.
Genomic context (GRCh38, chr7:143,319,873, plus strand): 5'-AGAAGACAGGCTCCAGTTCTACCGTGGACAGCAAGGATGAGGATCACTATTCTAAATGTC[A>G]AGGTGATGGGGACTGAGGAATAAAGAAATCTGGAGTAGAAACAGGTACAGGGATTAGGAG-3'
Protein context (NP_000074.3, residues 90-110): SKDEDHYSKC[Gln100Arg]DCIHRLGQVV

ClinVar aggregate classification (germline): Uncertain significance (1 of 4 stars; one submission).

Conditions:
Congenital myotonia, autosomal dominant form (THD). Also called: THOMSEN DISEASE; Myotonia congenita autosomal dominant. Identifiers: Orphanet 614, MedGen C2936781, MONDO:0008055, OMIM 160800.
Congenital myotonia, autosomal recessive form. Also called: BECKER DISEASE; Becker Generalized Myotonia; myotonia congenita, autosomal recessive. Identifiers: Orphanet 614, MedGen C0751360, MONDO:0009715, OMIM 255700.

Allele frequency attached by ClinVar (database versions not stated): TOPMed below 0.00001; gnomAD 0.00001.
gnomAD v4.1: 1 of 1,613,560 alleles (0.000062%); highest among the groups gnomAD compares: Admixed American, 0.0017%; no homozygotes.

Submission:

Labcorp Genetics (formerly Invitae), Labcorp
Classification: Uncertain significance for Congenital myotonia, autosomal recessive form; Congenital myotonia, autosomal dominant form. Last evaluated: 2025-04-22. Review status: criteria provided, single submitter. Criteria: Invitae Variant Classification Sherloc (09022015). Collection method: clinical testing. Allele origin: germline.
Comment: This sequence change replaces glutamine, which is neutral and polar, with arginine, which is basic and polar, at codon 100 of the CLCN1 protein (p.Gln100Arg). This variant is not present in population databases (gnomAD no frequency). This variant has not been reported in the literature in individuals affected with CLCN1-related conditions. ClinVar contains an entry for this variant (Variation ID: 659934). An algorithm developed to predict the effect of missense changes on protein structure and function (PolyPhen-2) suggests that this variant is likely to be tolerated. In summary, the available evidence is currently insufficient to determine the role of this variant in disease. Therefore, it has been classified as a Variant of Uncertain Significance.